The following is an entry in ClinVar:

ClinVar aggregate classification (germline): Pathogenic. Review status: criteria provided, multiple submitters, no conflicts (2 of 4 stars). 3 submissions from 3 submitters: Pathogenic (3). Last evaluated 2026-03-19.

Conditions:
Sialidosis. Identifiers: Orphanet 309294, MedGen C0268226, MONDO:0017734.
Sialidosis type 2. Also called: Mucolipidosis type 1; NEU 1 deficiency; GLYCOPROTEIN NEURAMINIDASE DEFICIENCY; LIPOMUCOPOLYSACCHARIDOSIS; ML I; NEU DEFICIENCY. Identifiers: Orphanet 812, Orphanet 87876, MedGen C4282398, MONDO:0009738, OMIM 256550.

Submissions (3):

Women's Health and Genetics/Laboratory Corporation of America, LabCorp
Classification: Pathogenic for Sialidosis type 2. Last evaluated: 2026-03-19. Review status: criteria provided, single submitter. Criteria: LabCorp Variant Classification Summary - May 2015. Collection method: clinical testing. Allele origin: germline.
Comment: Variant summary: NEU1 c.114_115delGT (p.Leu40GlyfsX8) results in a premature termination codon, predicted to cause a truncation of the encoded protein or absence of the protein due to nonsense mediated decay, which are commonly known mechanisms for disease. The variant allele was found at a frequency of 8.2e-06 in 244752 control chromosomes (gnomAD). To our knowledge, no occurrence of c.114_115delGT in individuals affected with NEU1-related conditions and no experimental evidence demonstrating its impact on protein function have been reported. ClinVar contains an entry for this variant (Variation ID: 435974). Based on the evidence outlined above, the variant was classified as pathogenic.

Labcorp Genetics (formerly Invitae), Labcorp
Classification: Pathogenic. Last evaluated: 2019-04-18. Review status: criteria provided, single submitter. Criteria: Invitae Variant Classification Sherloc (09022015). Collection method: clinical testing. Allele origin: germline.
Comment: For these reasons, this variant has been classified as Pathogenic. This sequence change creates a premature translational stop signal (p.Leu40Glyfs*8) in the NEU1 gene. It is expected to result in an absent or disrupted protein product. The frequency data for this variant in the population databases is considered unreliable, as metrics indicate poor data quality at this position in the ExAC database. This variant has not been reported in the literature in individuals with NEU1-related conditions. ClinVar contains an entry for this variant (Variation ID: 435974). Loss-of-function variants in NEU1 are known to be pathogenic (PMID: 11063730, 14517945).

Genetic Services Laboratory, University of Chicago
Classification: Pathogenic for Sialidosis. Last evaluated: 2016-07-27. Review status: criteria provided, single submitter. Criteria: ACMG Guidelines, 2015. Collection method: clinical testing. Allele origin: germline. Affected: yes.

Literature cited by the submitters: PubMed 11063730 (cited by Labcorp Genetics (formerly Invitae), Labcorp); PubMed 14517945 (cited by Labcorp Genetics (formerly Invitae), Labcorp).

NM_000434.4(NEU1):c.114_115del (p.Leu40fs)

Gene: NEU1 (neuraminidase 1; minus strand). Cytogenetic location: 6p21.33.
Variant type: Deletion.
Coding change: c.114_115del on transcript NM_000434.4 (MANE Select); coding-DNA positions 114 to 115, 2 bases deleted (GT; older notation c.114_115delGT).
Protein change: p.Leu40fs; shifts the reading frame from leucine 40.
Molecular consequence: frameshift variant.
Genome position (GRCh38, 1-based): chr6:31,862,662-31,862,663, AC deleted on the plus strand (GT on the coding strand, the reverse complement: NEU1 is on the minus strand); deleting any 2 consecutive bases within chr6:31,862,662-31,862,664 gives the same sequence; the c. name uses the placement nearest the transcript's 3' end. VCF-style (leftmost placement, unchanged base first): chr6-31862661-GAC-G. GRCh37 (hg19) VCF-style: chr6-31830438-GAC-G.
Other names: c.114_115delGT (NM_000434.4); short protein forms L40fs.
Identifiers: ClinVar variation 435974 (VCV000435974.14), dbSNP rs754405067, ClinGen allele CA3725095.